The following is an entry in ClinVar:

NM_001283009.2(RTEL1):c.2662G>A (p.Val888Met)

Genes: RTEL1 (regulator of telomere elongation helicase 1; plus strand), RTEL1-TNFRSF6B (RTEL1-TNFRSF6B readthrough (NMD candidate); plus strand). Cytogenetic location: 20q13.33.
Variant type: single nucleotide variant.
Coding change: c.2662G>A on transcript NM_001283009.2 (MANE Select); coding-DNA position 2662, G replaced by A.
Protein change: p.Val888Met; replaces valine 888 with methionine.
Molecular consequence: missense variant. On other transcripts: non-coding transcript variant (1).
Genome position (GRCh38, 1-based): chr20:63,692,814, G>A. VCF-style: chr20-63692814-G-A. GRCh37 (hg19) VCF-style: chr20-62324167-G-A.
Other names: c.1993G>A, p.Val665Met (NM_001283010.1); c.2662G>A, p.Val888Met (NM_016434.4); c.2734G>A, p.Val912Met (NM_032957.5); short protein forms V888M, V912M, V665M.
Identifiers: ClinVar variation 573172 (VCV000573172.11), dbSNP rs200505378, ClinGen allele CA9965493.

ClinVar aggregate classification (germline): Uncertain significance. Review status: criteria provided, multiple submitters, no conflicts (2 of 4 stars). 5 submissions from 5 submitters: Uncertain significance (3). 2 of the submissions do not count toward it. Last evaluated 2026-01-18.

Conditions:
RTEL1-related disorder. Also called: RTEL1-related condition; RTEL1-related disorders.
Dyskeratosis congenita. Identifiers: Orphanet 1775, MedGen C0265965, MONDO:0015780.
Dyskeratosis congenita, autosomal recessive 5 (DKCB5). Identifiers: MedGen C3554656, MONDO:0014076, OMIM 615190.
Pulmonary fibrosis and/or bone marrow failure, Telomere-related, 3. Also called: PULMONARY FIBROSIS AND/OR BONE MARROW FAILURE SYNDROME, TELOMERE-RELATED, 3. Identifiers: Orphanet 2032, MedGen C4225346, MONDO:0014613, OMIM 616373.

Allele frequency attached by ClinVar (database versions not stated): TOPMed 0.00011.
gnomAD v4.1: 79 of 1,610,786 alleles (0.0049%); highest among the groups gnomAD compares: African/African-American, 0.023%; no homozygotes.

Submissions (5):

Labcorp Genetics (formerly Invitae), Labcorp
Classification: Uncertain significance for Dyskeratosis congenita, autosomal recessive 5; Pulmonary fibrosis and/or bone marrow failure, Telomere-related, 3. Last evaluated: 2026-01-18. Review status: criteria provided, single submitter. Criteria: Invitae Variant Classification Sherloc (09022015). Collection method: clinical testing. Allele origin: germline.
Comment: This sequence change replaces valine, which is neutral and non-polar, with methionine, which is neutral and non-polar, at codon 888 of the RTEL1 protein (p.Val888Met). This variant is present in population databases (rs200505378, gnomAD 0.02%). This variant has not been reported in the literature in individuals affected with RTEL1-related conditions. This variant is also known as NM_032957.4(RTEL1):c.2734G>A (p.Val912Met). ClinVar contains an entry for this variant (Variation ID: 573172). An algorithm developed to predict the effect of missense changes on protein structure and function outputs the following: PolyPhen-2: "Benign". The methionine amino acid residue is found in multiple mammalian species, which suggests that this missense change does not adversely affect protein function. In summary, the available evidence is currently insufficient to determine the role of this variant in disease. Therefore, it has been classified as a Variant of Uncertain Significance.

GeneDx
Classification: Uncertain significance. Last evaluated: 2024-12-30. Review status: criteria provided, single submitter. Criteria: GeneDx Variant Classification Process June 2021. Collection method: clinical testing. Allele origin: germline.
Comment: In silico analysis indicates that this missense variant does not alter protein structure/function; Has not been previously published as pathogenic or benign to our knowledge

Breakthrough Genomics
Classification: Uncertain significance. Review status: criteria provided, single submitter. Criteria: ACMG Guidelines, 2015. Collection method: not provided. Allele origin: germline. Inheritance: Autosomal dominant inheritance. Affected: yes.

PreventionGenetics, part of Exact Sciences
Classification: Uncertain significance for RTEL1-related condition. Last evaluated: 2024-09-22. Review status: no assertion criteria provided. Collection method: clinical testing. Allele origin: germline. Not counted in ClinVar's aggregate classification.
Comment: The RTEL1 c.2734G>A variant is predicted to result in the amino acid substitution p.Val912Met. To our knowledge, this variant has not been reported in the literature. This variant is reported in 0.020% of alleles in individuals of African descent in gnomAD. At this time, the clinical significance of this variant is uncertain due to the absence of conclusive functional and genetic evidence.

Natera, Inc.
Classification: Uncertain significance for Dyskeratosis congenita. Last evaluated: 2019-11-11. Review status: no assertion criteria provided. Collection method: clinical testing. Allele origin: germline. Not counted in ClinVar's aggregate classification.